The following is an entry in ClinVar:

NC_000005.10:g.112707369G>A

Gene: APC (APC regulator of Wnt signaling pathway; plus strand). Cytogenetic location: 5q22.2.
Variant type: single nucleotide variant.
Genome position: GRCh38 VCF-style: chr5-112707369-G-A. GRCh37 (hg19) VCF-style: chr5-112043066-G-A.
Identifiers: ClinVar variation 646695 (VCV000646695.7), dbSNP rs1232017569, ClinGen allele CA561890075.

ClinVar aggregate classification (germline): Uncertain significance (1 of 4 stars; one submission).

Conditions:
Familial adenomatous polyposis 1 (FAP1). Also called: FAMILIAL ADENOMATOUS POLYPOSIS 1, ATTENUATED; POLYPOSIS, ADENOMATOUS INTESTINAL. Identifiers: MedGen C2713442, MONDO:0021056, OMIM 175100. Disease mechanism: loss of function.

Allele frequency attached by ClinVar (database versions not stated): gnomAD 0.00001; TOPMed below 0.00001.

Submission:

Labcorp Genetics (formerly Invitae), Labcorp
Classification: Uncertain significance for Familial adenomatous polyposis 1. Last evaluated: 2025-04-23. Review status: criteria provided, single submitter. Criteria: Invitae Variant Classification Sherloc (09022015). Collection method: clinical testing. Allele origin: germline.
Comment: This variant occurs in a non-coding region of the APC gene. It does not change the encoded amino acid sequence of the APC protein. This variant is present in population databases (no rsID available, gnomAD 0.03%). This variant has not been reported in the literature in individuals affected with APC-related conditions. ClinVar contains an entry for this variant (Variation ID: 646695). Experimental studies and prediction algorithms are not available or were not evaluated, and the functional significance of this variant is currently unknown. In summary, the available evidence is currently insufficient to determine the role of this variant in disease. Therefore, it has been classified as a Variant of Uncertain Significance.